The following is an entry in ClinVar:

NM_000059.4(BRCA2):c.2670del (p.Phe890fs)

Gene: BRCA2 (BRCA2 DNA repair associated; plus strand). Cytogenetic location: 13q13.1.
Variant type: Deletion.
Coding change: c.2670del on transcript NM_000059.4 (MANE Select); coding-DNA position 2670, one base deleted (T; older notation c.2670delT).
Protein change: p.Phe890fs; shifts the reading frame from phenylalanine 890.
Molecular consequence: frameshift variant.
Genome position (GRCh38, 1-based): chr13:32,337,025, T deleted; the last of 4 consecutive T bases (chr13:32,337,022-32,337,025); deleting any one gives the same sequence. VCF-style (leftmost placement, unchanged base first): chr13-32337021-AT-A. GRCh37 (hg19) VCF-style: chr13-32911158-AT-A.
Other names: c.2670delT (NM_000059.3); short protein forms F890fs.
Identifiers: ClinVar variation 441290 (VCV000441290.15), dbSNP rs1555282786, ClinGen allele CA658653669.
Genomic context (GRCh38, chr13:32,337,021, plus strand): 5'-CAATTTCAAAAATAACTGTCAATCCAGACTCTGAAGAACTTTTCTCAGACAATGAGAATA[AT>A]TTTGTCTTCCAAGTAGCTAATGAAAGGAATAATCTTGCTTTAGGAAATACTAAGGAACTT-3'

ClinVar aggregate classification (germline): Pathogenic. Review status: reviewed by expert panel (3 of 4 stars). 5 submissions from 5 submitters: Pathogenic (1). 4 of the submissions do not count toward it. Last evaluated 2017-12-15.

Conditions:
Hereditary cancer-predisposing syndrome. Also called: Hereditary Cancer Syndrome; Hereditary neoplastic syndrome; Tumor predisposition; Neoplastic Syndromes, Hereditary. Identifiers: Orphanet 140162, MedGen C0027672, MeSH D009386, MONDO:0015356.
Breast-ovarian cancer, familial, susceptibility to, 2 (BROVCA2). Also called: BRCA2 Hereditary Breast and Ovarian Cancer. Identifiers: Orphanet 145, MedGen C2675520, MONDO:0012933, OMIM 612555. Disease mechanism: loss of function.
Hereditary breast ovarian cancer syndrome. Also called: Hereditary breast and ovarian cancer syndrome; BRCA1- and BRCA2-Associated Hereditary Breast and Ovarian Cancer; Hereditary breast and ovarian cancer syndrome (HBOC); Hereditary breast and/or ovarian cancer syndrome; Hereditary breast and ovarian cancer; Breast and ovarian cancer. Identifiers: Orphanet 145, MedGen C0677776, MeSH D061325, MONDO:0003582. Disease mechanism: loss of function.

Submissions (5):

Evidence-based Network for the Interpretation of Germline Mutant Alleles (ENIGMA)
Classification: Pathogenic for Breast-ovarian cancer, familial, susceptibility to, 2. Last evaluated: 2017-12-15. Review status: reviewed by expert panel. Criteria: ENIGMA BRCA1/2 Classification Criteria (2017-06-29). Collection method: curation. Allele origin: germline. Study: ENIGMA.
Comment: Variant allele predicted to encode a truncated non-functional protein.

Center for Genomic Medicine, Rigshospitalet, Copenhagen University Hospital
Classification: Pathogenic. Last evaluated: 2025-03-04. Review status: criteria provided, single submitter. Criteria: ACMG Guidelines, 2015. Collection method: clinical testing. Allele origin: germline. Not counted in ClinVar's aggregate classification.
Comment: Classification criteria: PVS1, PM2_support

Genomic Medicine Center of Excellence, King Faisal Specialist Hospital and Research Centre
Classification: Pathogenic for Breast-ovarian cancer, familial, susceptibility to, 2. Last evaluated: 2024-12-17. Review status: criteria provided, single submitter. Criteria: ACMG Guidelines, 2015. Collection method: clinical testing. Allele origin: germline. Not counted in ClinVar's aggregate classification.

Labcorp Genetics (formerly Invitae), Labcorp
Classification: Pathogenic for Hereditary breast ovarian cancer syndrome. Last evaluated: 2024-08-19. Review status: criteria provided, single submitter. Criteria: Invitae Variant Classification Sherloc (09022015). Collection method: clinical testing. Allele origin: germline. Not counted in ClinVar's aggregate classification.
Comment: This sequence change creates a premature translational stop signal (p.Phe890Leufs*5) in the BRCA2 gene. It is expected to result in an absent or disrupted protein product. Loss-of-function variants in BRCA2 are known to be pathogenic (PMID: 20104584). This variant is not present in population databases (gnomAD no frequency). This premature translational stop signal has been observed in individual(s) with breast and/or ovarian cancer and prostate cancer (PMID: 29297111, 31214711). This variant is also known as 2667delT. ClinVar contains an entry for this variant (Variation ID: 441290). For these reasons, this variant has been classified as Pathogenic.

Ambry Genetics
Classification: Pathogenic for Hereditary cancer-predisposing syndrome. Last evaluated: 2023-04-06. Review status: criteria provided, single submitter. Criteria: Ambry Variant Classification Scheme 2023. Collection method: clinical testing. Allele origin: germline. Not counted in ClinVar's aggregate classification.
Comment: The c.2670delT pathogenic mutation, located in coding exon 10 of the BRCA2 gene, results from a deletion of one nucleotide at nucleotide position 2670, causing a translational frameshift with a predicted alternate stop codon (p.F890Lfs*5). This variant is considered to be rare based on population cohorts in the Genome Aggregation Database (gnomAD). This alteration is expected to result in loss of function by premature protein truncation or nonsense-mediated mRNA decay. As such, this alteration is interpreted as a disease-causing mutation.

Literature cited by the submitters: PubMed 31214711 (cited by Center for Genomic Medicine, Rigshospitalet, Copenhagen University Hospital and Labcorp Genetics (formerly Invitae), Labcorp); PubMed 20104584 (cited by Labcorp Genetics (formerly Invitae), Labcorp); PubMed 29297111 (cited by Labcorp Genetics (formerly Invitae), Labcorp and Ambry Genetics).